The following is an entry in ClinVar:

ClinVar aggregate classification (germline): Uncertain significance (1 of 4 stars; one submission).

Conditions:
Inborn genetic diseases. Identifiers: MedGen C0950123, MeSH D030342.

Submission:

Ambry Genetics
Classification: Uncertain significance for Inborn genetic diseases. Last evaluated: 2022-02-06. Review status: criteria provided, single submitter. Criteria: Ambry Variant Classification Scheme 2023. Collection method: clinical testing. Allele origin: germline.
Comment: The p.F644Y variant (also known as c.1931T>A), located in coding exon 21 of the ERCC2 gene, results from a T to A substitution at nucleotide position 1931. The phenylalanine at codon 644 is replaced by tyrosine, an amino acid with highly similar properties. This amino acid position is conserved. In addition, the in silico prediction for this alteration is inconclusive. Since supporting evidence is limited at this time, the clinical significance of this alteration remains unclear.

NM_000400.4(ERCC2):c.1931T>A (p.Phe644Tyr)

Gene: ERCC2 (ERCC excision repair 2, TFIIH core complex helicase subunit; minus strand). Cytogenetic location: 19q13.32.
Variant type: single nucleotide variant.
Coding change: c.1931T>A on transcript NM_000400.4 (MANE Select); coding-DNA position 1931, T replaced by A.
Protein change: p.Phe644Tyr; replaces phenylalanine 644 with tyrosine.
Molecular consequence: missense variant.
Genome position (GRCh38, 1-based): chr19:45,352,621, A>T on the plus strand (T>A on the coding strand, the complement: ERCC2 is on the minus strand). VCF-style: chr19-45352621-A-T. GRCh37 (hg19) VCF-style: chr19-45855879-A-T.
Other names: short protein forms F644Y.
Identifiers: ClinVar variation 1782897 (VCV001782897.2), dbSNP rs2513999550, ClinGen allele CA406363466.